The following is an entry in ClinVar:

ClinVar aggregate classification (germline): Uncertain significance (1 of 4 stars; one submission).

Submission:

Labcorp Genetics (formerly Invitae), Labcorp
Classification: Uncertain significance. Last evaluated: 2023-02-08. Review status: criteria provided, single submitter. Criteria: Invitae Variant Classification Sherloc (09022015). Collection method: clinical testing. Allele origin: germline.
Comment: This sequence change replaces serine, which is neutral and polar, with glycine, which is neutral and non-polar, at codon 4281 of the KMT2C protein (p.Ser4281Gly). This variant is not present in population databases (gnomAD no frequency). This variant has not been reported in the literature in individuals affected with KMT2C-related conditions. Algorithms developed to predict the effect of missense changes on protein structure and function are either unavailable or do not agree on the potential impact of this missense change (SIFT: "Deleterious"; PolyPhen-2: "Benign"; Align-GVGD: "Class C0"). In summary, the available evidence is currently insufficient to determine the role of this variant in disease. Therefore, it has been classified as a Variant of Uncertain Significance.

NM_170606.3(KMT2C):c.12841A>G (p.Ser4281Gly)

Gene: KMT2C (lysine methyltransferase 2C; minus strand). Cytogenetic location: 7q36.1.
Variant type: single nucleotide variant.
Coding change: c.12841A>G on transcript NM_170606.3 (MANE Select); coding-DNA position 12841, A replaced by G.
Protein change: p.Ser4281Gly; replaces serine 4281 with glycine.
Molecular consequence: missense variant.
Genome position (GRCh38, 1-based): chr7:152,149,086, T>C on the plus strand (A>G on the coding strand, the complement: KMT2C is on the minus strand). VCF-style: chr7-152149086-T-C. GRCh37 (hg19) VCF-style: chr7-151846171-T-C.
Other names: short protein forms S4281G.
Identifiers: ClinVar variation 2833979 (VCV002833979.3), dbSNP rs2129095716, ClinGen allele CA370093961.